The following is an entry in ClinVar:

NM_000037.4(ANK1):c.4478del (p.Asn1492_Leu1493insTer)

Genes: ANK1 (ankyrin 1; minus strand), LOC126860368 (BRD4-independent group 4 enhancer GRCh37_chr8:41541049-41542248; plus strand). Cytogenetic location: 8p11.21.
Variant type: Deletion.
Coding change: c.4478del on transcript NM_000037.4 (MANE Select); coding-DNA position 4478, one base deleted (T; older notation c.4478delT).
Protein change: p.Asn1492_Leu1493insTer.
Molecular consequence: nonsense.
Genome position (GRCh38, 1-based): chr8:41,684,603, A deleted on the plus strand (T on the coding strand, the reverse complement: ANK1 is on the minus strand); the first of 2 consecutive A bases (chr8:41,684,603-41,684,604); deleting either gives the same sequence. VCF-style (leftmost placement, unchanged base first): chr8-41684602-CA-C. GRCh37 (hg19) VCF-style: chr8-41542120-CA-C.
Other names: p.Leu1493*; c.4601del, p.Asn1533_Leu1534insTer (NM_001142446.2); c.4478del, p.Asn1492_Leu1493insTer (NM_020475.3, NM_020476.3, NM_020477.3).
Identifiers: ClinVar variation 3381034 (VCV003381034.1).
Genomic context (GRCh38, chr8:41,684,602, plus strand): 5'-ACCATTCATCTGGGAGGGTGACAGCGAGTAGTCGCGGTCGGTGTGCCGCCTGTCTGGCTT[CA>C]AGTTGCGGCTCTGTCGGCCGGAACCCTCCAGCATGTTCACGATCTCGCCACGGTCAATGC-3'

ClinVar aggregate classification (germline): Likely pathogenic (1 of 4 stars; one submission).

Submission:

Mayo Clinic Laboratories, Mayo Clinic
Classification: Likely pathogenic. Last evaluated: 2024-05-01. Review status: criteria provided, single submitter. Criteria: ACMG Guidelines, 2015. Collection method: clinical testing. Allele origin: germline. Observed: 1 variant allele.
Comment: PM2_moderate, PVS1